The following is an entry in ClinVar:

ClinVar aggregate classification (germline): Pathogenic/Likely pathogenic. Review status: criteria provided, multiple submitters, no conflicts (2 of 4 stars). 3 submissions from 3 submitters: Pathogenic (1); Likely pathogenic (2). Last evaluated 2025-05-21.

Conditions:
Hereditary spastic paraplegia 45. Also called: SPASTIC PARAPLEGIA 45; Spastic paraplegia 45, autosomal recessive. Identifiers: Orphanet 320396, MedGen C3888209, MONDO:0013165, OMIM 613162.

Allele frequency attached by ClinVar (database versions not stated): gnomAD 0.00002; gnomAD exomes below 0.00001 and 0.00001; TOPMed 0.00001.
gnomAD v4.1: 12 of 1,611,192 alleles (0.00074%); highest among the groups gnomAD compares: African/African-American, 0.0013%; no homozygotes.

Submissions (3):

GeneDx
Classification: Likely pathogenic. Last evaluated: 2025-05-21. Review status: criteria provided, single submitter. Criteria: GeneDx Variant Classification Process June 2021. Collection method: clinical testing. Allele origin: germline. Affected: yes.
Comment: Nonsense variant predicted to result in protein truncation or nonsense mediated decay in a gene for which loss of function is a known mechanism of disease; Not observed at significant frequency in large population cohorts (gnomAD); Has not been previously published as pathogenic or benign to our knowledge

Knight Diagnostic Laboratories, Oregon Health and Sciences University
Classification: Likely pathogenic for Spastic paraplegia 45, autosomal recessive. Last evaluated: 2019-05-20. Review status: criteria provided, single submitter. Criteria: ACMG Guidelines, 2015. Collection method: clinical testing. Allele origin: germline. Observed: 1 variant allele.

Labcorp Genetics (formerly Invitae), Labcorp
Classification: Pathogenic for Hereditary spastic paraplegia 45. Last evaluated: 2019-03-11. Review status: criteria provided, single submitter. Criteria: Invitae Variant Classification Sherloc (09022015). Collection method: clinical testing. Allele origin: germline.
Comment: This sequence change creates a premature translational stop signal (p.Arg367*) in the NT5C2 gene. It is expected to result in an absent or disrupted protein product. This variant is not present in population databases (ExAC no frequency). This variant has not been reported in the literature in individuals with NT5C2-related conditions. Loss-of-function variants in NT5C2 are known to be pathogenic (PMID: 24482476). For these reasons, this variant has been classified as Pathogenic.

Literature cited by the submitters: PubMed 24482476 (cited by Labcorp Genetics (formerly Invitae), Labcorp).

NM_001351169.2(NT5C2):c.1099C>T (p.Arg367Ter)

Gene: NT5C2 (5'-nucleotidase, cytosolic II; minus strand). Cytogenetic location: 10q24.32.
Variant type: single nucleotide variant.
Coding change: c.1099C>T on transcript NM_001351169.2 (MANE Select); coding-DNA position 1099, C replaced by T.
Protein change: p.Arg367Ter; replaces arginine 367 with a stop codon.
Molecular consequence: nonsense.
Genome position (GRCh38, 1-based): chr10:103,093,199, G>A on the plus strand (C>T on the coding strand, the complement: NT5C2 is on the minus strand). VCF-style: chr10-103093199-G-A. GRCh37 (hg19) VCF-style: chr10-104852956-G-A.
Other names: c.1099C>T, p.Arg367Ter (NM_001134373.3, NM_012229.5); c.1123C>T, p.Arg375Ter (NM_001351170.2, NM_001351171.2, NM_001351172.2 and 1 more transcripts); c.1012C>T, p.Arg338Ter (NM_001351174.1); c.1006C>T, p.Arg336Ter (NM_001351175.2); c.526C>T, p.Arg176Ter (NM_001351176.2, NM_001351177.2, NM_001351178.2 and 16 more transcripts); c.385C>T, p.Arg129Ter (NM_001351194.2, NM_001351195.2, NM_001351196.2); short protein forms R176*, R336*, R338*, R367*, R375*, R129*.
Identifiers: ClinVar variation 834345 (VCV000834345.6), dbSNP rs769873284, ClinGen allele CA212323644.